The following is an entry in ClinVar:

NM_013436.5(NCKAP1):c.1062T>C (p.Ala354=)

Gene: NCKAP1 (NCK associated protein 1; minus strand). Cytogenetic location: 2q32.1.
Variant type: single nucleotide variant.
Coding change: c.1062T>C on transcript NM_013436.5 (MANE Select); coding-DNA position 1062, T replaced by C.
Protein change: p.Ala354=; no amino-acid change (alanine 354 retained).
Molecular consequence: synonymous variant.
Genome position (GRCh38, 1-based): chr2:182,983,325, A>G on the plus strand (T>C on the coding strand, the complement: NCKAP1 is on the minus strand). VCF-style: chr2-182983325-A-G. GRCh37 (hg19) VCF-style: chr2-183848053-A-G.
Other names: c.1080T>C, p.Ala360= (NM_205842.3).
Identifiers: ClinVar variation 3055671 (VCV003055671.2), dbSNP rs35142583, ClinGen allele CA2014694.

ClinVar aggregate classification (germline): Benign (0 of 4 stars; one submission).

Conditions:
NCKAP1-related disorder. Also called: NCKAP1-related condition.

Allele frequency attached by ClinVar (database versions not stated): 1000 Genomes Project 0.02796; ExAC 0.02918; 1000 Genomes Project 30x 0.02967; gnomAD 0.03461; gnomAD exomes 0.03542; TOPMed 0.03712; ESP Exome Variant Server 0.04083.
gnomAD v4.1: 56,698 of 1,612,722 alleles (3.5%); highest among the groups gnomAD compares: Non-Finnish European, 4%; 1,161 homozygotes.

Submission:

PreventionGenetics, part of Exact Sciences
Classification: Benign for NCKAP1-related condition. Last evaluated: 2019-10-10. Review status: no assertion criteria provided. Collection method: clinical testing. Allele origin: germline.
Comment: This variant is classified as benign based on ACMG/AMP sequence variant interpretation guidelines (Richards et al. 2015 PMID: 25741868, with internal and published modifications).